The following is an entry in ClinVar:

NM_005055.5(RAPSN):c.853_855delinsTAA (p.Gln285Ter)

Gene: RAPSN (receptor associated protein of the synapse; minus strand). Cytogenetic location: 11p11.2.
Variant type: Indel.
Coding change: c.853_855delinsTAA on transcript NM_005055.5 (MANE Select); coding-DNA positions 853 to 855, CAG replaced by TAA.
Protein change: p.Gln285Ter; replaces glutamine 285 with a stop codon.
Molecular consequence: nonsense. On other transcripts: intron variant (1).
Genome position (GRCh38, 1-based): chr11:47,441,668-47,441,670, CTG replaced by TTA on the plus strand (CAG replaced by TAA on the coding strand, the reverse complement: RAPSN is on the minus strand). VCF-style: chr11-47441668-CTG-TTA. GRCh37 (hg19) VCF-style: chr11-47463220-CTG-TTA.
Other names: c.789+153_789+155delinsTAA (NM_032645.5); short protein forms Q285*.
Identifiers: ClinVar variation 280676 (VCV000280676.1), dbSNP rs886041841, ClinGen allele CA10603216.
Genomic context (GRCh38, chr11:47,441,668, plus strand): 5'-CACCTTGTCCAGCGCCTTCCTGGCCACCCAGCACTTGGCCACACCCAGCAGCGCCTGCAC[CTG>TTA]CCCCAGGCGGTTTCCGATCTCGGTCATGATGCTCATGGCGGAGTCGTACCTGGGGAAGGC-3'

ClinVar aggregate classification (germline): Pathogenic (1 of 4 stars; one submission).

Submission:

GeneDx
Classification: Pathogenic. Last evaluated: 2016-06-23. Review status: criteria provided, single submitter. Criteria: GeneDx Variant Classification (06012015). Collection method: clinical testing. Allele origin: germline. Affected: yes.
Comment: The c.853_855delCAGinsTAA pathogenic variant in the RAPSN gene has not been reported previously as a pathogenic variant nor as a benign variant, to our knowledge. The c.853_855delCAGinsTAA variant results in the deletion of two amino acids starting at Glutamine 285 and the insertion of three residues, resulting in a premature Stop codon, denoted p.Gln285Ter. This variant is predicted to cause loss of normal protein function either through protein truncation or nonsense-mediated mRNA decay. The c.853_855delCAGinsTAA variant was not observed in approximately 6500 individuals of European and African American ancestry in the NHLBI Exome Sequencing Project, indicating it is not a common benign variant in these populations.We interpret c.853_855delCAGinsTAA as a pathogenic variant.